The following is an entry in ClinVar:

ClinVar aggregate classification (germline): Uncertain significance (1 of 4 stars; one submission).

Allele frequency attached by ClinVar (database versions not stated): TOPMed below 0.00001.

Submission:

Labcorp Genetics (formerly Invitae), Labcorp
Classification: Uncertain significance. Last evaluated: 2022-06-29. Review status: criteria provided, single submitter. Criteria: Invitae Variant Classification Sherloc (09022015). Collection method: clinical testing. Allele origin: germline.
Comment: This sequence change replaces methionine, which is neutral and non-polar, with leucine, which is neutral and non-polar, at codon 1280 of the CDH23 protein (p.Met1280Leu). This variant is present in population databases (no rsID available, gnomAD 0.0009%). This variant has not been reported in the literature in individuals affected with CDH23-related conditions. Algorithms developed to predict the effect of missense changes on protein structure and function output the following: SIFT: "Tolerated"; PolyPhen-2: "Not Available"; Align-GVGD: "Class C0". The leucine amino acid residue is found in multiple mammalian species, which suggests that this missense change does not adversely affect protein function. In summary, the available evidence is currently insufficient to determine the role of this variant in disease. Therefore, it has been classified as a Variant of Uncertain Significance.

NM_022124.6(CDH23):c.3838A>C (p.Met1280Leu)

Genes: C10orf105 (chromosome 10 open reading frame 105; minus strand), CDH23 (cadherin related 23; plus strand). Cytogenetic location: 10q22.1.
Variant type: single nucleotide variant.
Coding change: c.3838A>C on transcript NM_022124.6 (MANE Select); coding-DNA position 3838, A replaced by C.
Protein change: p.Met1280Leu; replaces methionine 1280 with leucine.
Molecular consequence: missense variant. On other transcripts: intron variant (1).
Genome position (GRCh38, 1-based): chr10:71,732,109, A>C. VCF-style: chr10-71732109-A-C. GRCh37 (hg19) VCF-style: chr10-73491866-A-C.
Other names: c.3838A>C, p.Met1280Leu (NM_001171930.2); c.-6+5619T>G (NM_001168390.2); short protein forms M1280L.
Identifiers: ClinVar variation 2419759 (VCV002419759.2), dbSNP rs939325167, ClinGen allele CA209480499.